The following is an entry in ClinVar:

NM_024529.5(CDC73):c.740A>G (p.Lys247Arg)

Gene: CDC73 (cell division cycle 73; plus strand). Cytogenetic location: 1q31.2.
Variant type: single nucleotide variant.
Coding change: c.740A>G on transcript NM_024529.5 (MANE Select); coding-DNA position 740, A replaced by G.
Protein change: p.Lys247Arg; replaces lysine 247 with arginine.
Molecular consequence: missense variant.
Genome position (GRCh38, 1-based): chr1:193,147,877, A>G. VCF-style: chr1-193147877-A-G. GRCh37 (hg19) VCF-style: chr1-193117007-A-G.
Other names: short protein forms K247R.
Identifiers: ClinVar variation 3998665 (VCV003998665.1).
Genomic context (GRCh38, chr1:193,147,877, plus strand): 5'-TACTATTGTATATTTAAAGTGGGCTTAATTAAAATCCATTTATATTTTAGAATTTTTCCA[A>G]GAACATTTTTGCAATTCTTCAATCTGTAAAAGCCAGAGAAGAAGGGCGTGCACCTGAACA-3'
Protein context (NP_078805.3, residues 237-257): ILQSTGKNFS[Lys247Arg]NIFAILQSVK

ClinVar aggregate classification (germline): Uncertain significance (1 of 4 stars; one submission).

Conditions:
Hereditary cancer-predisposing syndrome. Also called: Tumor predisposition; Hereditary neoplastic syndrome; Neoplastic Syndromes, Hereditary; Hereditary Cancer Syndrome. Identifiers: Orphanet 140162, MedGen C0027672, MeSH D009386, MONDO:0015356.

Submission:

Ambry Genetics
Classification: Uncertain significance for Hereditary cancer-predisposing syndrome. Last evaluated: 2025-05-01. Review status: criteria provided, single submitter. Criteria: Ambry Variant Classification Scheme 2023. Collection method: clinical testing. Allele origin: germline.
Comment: The p.K247R variant (also known as c.740A>G), located in coding exon 8 of the CDC73 gene, results from an A to G substitution at nucleotide position 740. The lysine at codon 247 is replaced by arginine, an amino acid with highly similar properties. This amino acid position is highly conserved in available vertebrate species. In addition, this alteration is predicted to be tolerated by in silico analysis. Based on the available evidence, the clinical significance of this variant remains unclear.